The following is an entry in ClinVar:

NM_080473.5(GATA5):c.395G>T (p.Arg132Leu)

Gene: GATA5 (GATA binding protein 5; minus strand). Cytogenetic location: 20q13.33.
Variant type: single nucleotide variant.
Coding change: c.395G>T on transcript NM_080473.5 (MANE Select); coding-DNA position 395, G replaced by T.
Protein change: p.Arg132Leu; replaces arginine 132 with leucine.
Molecular consequence: missense variant.
Genome position (GRCh38, 1-based): chr20:62,475,127, C>A on the plus strand (G>T on the coding strand, the complement: GATA5 is on the minus strand). VCF-style: chr20-62475127-C-A. GRCh37 (hg19) VCF-style: chr20-61050183-C-A.
Other names: short protein forms R132L.
Identifiers: ClinVar variation 2888313 (VCV002888313.3), dbSNP rs782352129, ClinGen allele CA409556458.

ClinVar aggregate classification (germline): Uncertain significance (1 of 4 stars; one submission).

Submission:

Labcorp Genetics (formerly Invitae), Labcorp
Classification: Uncertain significance. Last evaluated: 2025-11-24. Review status: criteria provided, single submitter. Criteria: Invitae Variant Classification Sherloc (09022015). Collection method: clinical testing. Allele origin: germline.
Comment: This sequence change replaces arginine, which is basic and polar, with leucine, which is neutral and non-polar, at codon 132 of the GATA5 protein (p.Arg132Leu). This variant is not present in population databases (gnomAD no frequency). This variant has not been reported in the literature in individuals affected with GATA5-related conditions. ClinVar contains an entry for this variant (Variation ID: 2888313). Invitae Evidence Modeling of protein sequence and biophysical properties (such as structural, functional, and spatial information, amino acid conservation, physicochemical variation, residue mobility, and thermodynamic stability) has been performed for this missense variant. However, the output from this modeling did not meet the statistical confidence thresholds required to predict the impact of this variant on GATA5 protein function. In summary, the available evidence is currently insufficient to determine the role of this variant in disease. Therefore, it has been classified as a Variant of Uncertain Significance.